The following is an entry in ClinVar:

ClinVar aggregate classification (germline): Benign/Likely benign. Review status: criteria provided, multiple submitters, no conflicts (2 of 4 stars). 8 submissions from 8 submitters: Benign (6); Likely benign (2). Last evaluated 2026-01-05.

Conditions:
Inborn genetic diseases. Identifiers: MedGen C0950123, MeSH D030342.
X-linked intellectual disability Cabezas type (MRXSC). Also called: MENTAL RETARDATION, X-LINKED, SYNDROMIC 15; CABEZAS SYNDROME; Intellectual developmental disorder, X-linked syndromic, Cabezas type. Identifiers: Orphanet 85289, Orphanet 85293, MedGen C1845861, MONDO:0010306, OMIM 300354.

Submissions (8):

Labcorp Genetics (formerly Invitae), Labcorp
Classification: Benign for X-linked intellectual disability Cabezas type. Last evaluated: 2026-01-05. Review status: criteria provided, single submitter. Criteria: Invitae Variant Classification Sherloc (09022015). Collection method: clinical testing. Allele origin: germline.

Blueprint Genetics
Classification: Likely benign. Last evaluated: 2024-09-23. Review status: criteria provided, single submitter. Criteria: ACMG Guidelines, 2015. Collection method: clinical testing. Allele origin: germline.

ARUP Laboratories, Molecular Genetics and Genomics, ARUP Laboratories
Classification: Benign for X-linked intellectual disability Cabezas type. Last evaluated: 2023-12-19. Review status: criteria provided, single submitter. Criteria: ARUP Molecular Germline Variant Investigation Process 2024. Collection method: clinical testing. Allele origin: germline.

Fulgent Genetics
Classification: Likely benign for X-linked intellectual disability Cabezas type. Last evaluated: 2022-05-17. Review status: criteria provided, single submitter. Criteria: ACMG Guidelines, 2015. Collection method: clinical testing. Allele origin: unknown.

Mayo Clinic Laboratories, Mayo Clinic
Classification: Benign. Last evaluated: 2021-01-04. Review status: criteria provided, single submitter. Criteria: ACMG Guidelines, 2015. Collection method: clinical testing. Allele origin: germline. Observed: 3 variant alleles.

Athena Diagnostics
Classification: Benign. Last evaluated: 2019-01-16. Review status: criteria provided, single submitter. Criteria: Athena Diagnostics Criteria. Collection method: clinical testing. Allele origin: germline.

GeneDx
Classification: Benign. Last evaluated: 2016-11-01. Review status: criteria provided, single submitter. Criteria: GeneDx Variant Classification (06012015). Collection method: clinical testing. Allele origin: germline. Affected: yes.
Comment: This variant is considered likely benign or benign based on one or more of the following criteria: it is a conservative change, it occurs at a poorly conserved position in the protein, it is predicted to be benign by multiple in silico algorithms, and/or has population frequency not consistent with disease.

Ambry Genetics
Classification: Benign for Inborn genetic diseases. Last evaluated: 2014-09-16. Review status: criteria provided, single submitter. Criteria: Ambry Variant Classification Scheme 2023. Collection method: clinical testing. Allele origin: germline.

NM_001079872.2(CUL4B):c.847-10del

Gene: CUL4B (cullin 4B; minus strand). Cytogenetic location: Xq24.
Variant type: Deletion.
Coding change: c.847-10del on transcript NM_001079872.2 (MANE Select); 10 bases into the intron before coding-DNA position 847, one base deleted (T; older notation c.847-10delT).
Molecular consequence: intron variant.
Genome position (GRCh38, 1-based): chrX:120,545,527, A deleted on the plus strand (T on the coding strand, the reverse complement: CUL4B is on the minus strand); the first of 9 consecutive A bases (chrX:120,545,527-120,545,535); deleting any one gives the same sequence. VCF-style (leftmost placement, unchanged base first): chrX-120545526-GA-G. GRCh37 (hg19) VCF-style: chrX-119679381-GA-G.
Other names: p.?; c.901-10delT (NM_003588.3); c.901-10del (NM_003588.4); c.862-10del (NM_001330624.2); c.313-10del (NM_001369145.1).
Identifiers: ClinVar variation 418559 (VCV000418559.19), dbSNP rs762094686, ClinGen allele CA10505618.